The following is an entry in ClinVar:

ClinVar aggregate classification (germline): Uncertain significance (1 of 4 stars; one submission).

Conditions:
Primary dilated cardiomyopathy (DCM). Also called: Dilated Cardiomyopathy. Identifiers: Orphanet 217604, MedGen C0007193, MeSH D002311, MONDO:0005021, HP:0001644. Inheritance: Various modes of inheritance.

Submission:

Labcorp Genetics (formerly Invitae), Labcorp
Classification: Uncertain significance for Primary dilated cardiomyopathy. Last evaluated: 2023-10-04. Review status: criteria provided, single submitter. Criteria: Invitae Variant Classification Sherloc (09022015). Collection method: clinical testing. Allele origin: germline.
Comment: This sequence change replaces cysteine, which is neutral and slightly polar, with tyrosine, which is neutral and polar, at codon 104 of the FHL2 protein (p.Cys104Tyr). This variant is not present in population databases (gnomAD no frequency). This variant has not been reported in the literature in individuals affected with FHL2-related conditions. Advanced modeling of protein sequence and biophysical properties (such as structural, functional, and spatial information, amino acid conservation, physicochemical variation, residue mobility, and thermodynamic stability) performed at Invitae indicates that this missense variant is expected to disrupt FHL2 protein function. In summary, the available evidence is currently insufficient to determine the role of this variant in disease. Therefore, it has been classified as a Variant of Uncertain Significance.

NM_001318895.3(FHL2):c.311G>A (p.Cys104Tyr)

Genes: C2orf49 (chromosome 2 open reading frame 49; plus strand), FHL2 (four and a half LIM domains 2; minus strand). Cytogenetic location: 2q12.2.
Variant type: single nucleotide variant.
Coding change: c.311G>A on transcript NM_001318895.3 (MANE Select); coding-DNA position 311, G replaced by A.
Protein change: p.Cys104Tyr; replaces cysteine 104 with tyrosine.
Molecular consequence: missense variant. On other transcripts: 5 prime UTR variant (1), intron variant (2).
Genome position (GRCh38, 1-based): chr2:105,373,579, C>T on the plus strand (G>A on the coding strand, the complement: FHL2 is on the minus strand). VCF-style: chr2-105373579-C-T. GRCh37 (hg19) VCF-style: chr2-105990036-C-T.
Other names: c.311G>A, p.Cys104Tyr (NM_001039492.3, NM_001318894.1, NM_001318896.2 and 4 more transcripts); c.-14G>A (NM_001318899.2); c.-11-5840G>A (NM_001318897.2, NM_001318898.2); short protein forms C104Y.
Identifiers: ClinVar variation 2765067 (VCV002765067.3), dbSNP rs2467208681, ClinGen allele CA348001573.